The following is an entry in ClinVar:

NM_145262.4(GLYCTK):c.1478T>G (p.Phe493Cys)

Gene: GLYCTK (glycerate kinase; plus strand). Cytogenetic location: 3p21.2.
Variant type: single nucleotide variant.
Coding change: c.1478T>G on transcript NM_145262.4 (MANE Select); coding-DNA position 1478, T replaced by G.
Protein change: p.Phe493Cys; replaces phenylalanine 493 with cysteine.
Molecular consequence: missense variant. On other transcripts: non-coding transcript variant (2).
Genome position (GRCh38, 1-based): chr3:52,293,032, T>G. VCF-style: chr3-52293032-T-G. GRCh37 (hg19) VCF-style: chr3-52327048-T-G.
Other names: short protein forms F493C.
Identifiers: ClinVar variation 30836 (VCV000030836.16), dbSNP rs121909448, ClinGen allele CA129493.

ClinVar aggregate classification (germline): Conflicting classifications of pathogenicity. Review status: criteria provided, conflicting classifications (1 of 4 stars). 7 submissions from 7 submitters: Likely pathogenic (3); Uncertain significance (2). 2 of the submissions do not count toward it. Last evaluated 2026-09-23.

Conditions:
D-Glyceric aciduria. Also called: Deficiency of glycerate kinase; GLYCERATE KINASE DEFICIENCY. Identifiers: Orphanet 941, MedGen C0342765, MONDO:0009070, OMIM 220120.

Allele frequency attached by ClinVar (database versions not stated): gnomAD 0.00009; TOPMed 0.00009; ESP Exome Variant Server 0.00023; gnomAD exomes 0.00010 and 0.00018; ExAC 0.00016.
gnomAD v4.1: 164 of 1,614,002 alleles (0.01%); highest among the groups gnomAD compares: Admixed American, 0.047%; no homozygotes.

Submissions (7):

GeneDx
Classification: Likely pathogenic. Last evaluated: 2026-09-23. Review status: criteria provided, single submitter. Criteria: GeneDx Variant Classification Process June 2021. Collection method: clinical testing. Allele origin: germline.
Comment: Published functional studies demonstrate F493C damages protein expression with no enzymatic activity (PMID: 20949620); In silico analysis supports that this missense variant has a deleterious effect on protein structure/function; This variant is associated with the following publications: (PMID: 31589614, 20949620, 31980526, 34426522)

Dasa
Classification: Likely pathogenic. Last evaluated: 2025-12-19. Review status: criteria provided, single submitter. Criteria: DASA Assertion Criteria. Collection method: clinical testing. Allele origin: germline.
Comment: NM_145262.4(GLYCTK):c.1478T>G (p.Phe493Cys) is a missense variant that results in the substitution of phenylalanine with cysteine. This variant has been recurrently observed in individuals with GLYCTK-related disorders (PMID: 20949620; PMID: 31589614; PMID: 31980526; PMID: 34426522). Also, this variant is rare in population databases. Computational evidence supports a deleterious effect. Based on the currently available evidence, this variant is classified as likely pathogenic.

Labcorp Genetics (formerly Invitae), Labcorp
Classification: Uncertain significance. Last evaluated: 2024-10-15. Review status: criteria provided, single submitter. Criteria: Invitae Variant Classification Sherloc (09022015). Collection method: clinical testing. Allele origin: germline.
Comment: This sequence change replaces phenylalanine, which is neutral and non-polar, with cysteine, which is neutral and slightly polar, at codon 493 of the GLYCTK protein (p.Phe493Cys). This variant is present in population databases (rs121909448, gnomAD 0.06%). This missense change has been observed in individual(s) with D-glyceric aciduria (PMID: 20949620). ClinVar contains an entry for this variant (Variation ID: 30836). Invitae Evidence Modeling of protein sequence and biophysical properties (such as structural, functional, and spatial information, amino acid conservation, physicochemical variation, residue mobility, and thermodynamic stability) has been performed for this missense variant. However, the output from this modeling did not meet the statistical confidence thresholds required to predict the impact of this variant on GLYCTK protein function. Experimental studies have shown that this missense change affects GLYCTK function (PMID: 20949620). In summary, the available evidence is currently insufficient to determine the role of this variant in disease. Therefore, it has been classified as a Variant of Uncertain Significance.

Revvity Omics, Revvity
Classification: Uncertain significance for D-Glyceric aciduria. Last evaluated: 2021-09-08. Review status: criteria provided, single submitter. Criteria: ACMG Guidelines, 2015. Collection method: clinical testing. Allele origin: germline.

Genomic Research Center, Shahid Beheshti University of Medical Sciences
Classification: Likely pathogenic for D-Glyceric aciduria. Last evaluated: 2018-03-05. Review status: criteria provided, single submitter. Criteria: ACMG Guidelines, 2015. Collection method: clinical testing. Allele origin: inherited. Affected: yes. Observed: 2 variant alleles.

OMIM
Classification: Pathogenic for D-GLYCERIC ACIDURIA. Last evaluated: 2010-12-01. Review status: no assertion criteria provided. Collection method: literature only. Allele origin: germline. Not counted in ClinVar's aggregate classification.

Universitäts-Kinderspital Zürich
No classification provided. Condition: Deficiency of glycerate kinase. Review status: no classification provided. Collection method: not provided. Allele origin: unknown. Not counted in ClinVar's aggregate classification.

Literature cited by the submitters: PubMed 20949620 (cited by 3 submitters); PubMed 31589614 (cited by Dasa); PubMed 31980526 (cited by Dasa); PubMed 34426522 (cited by Dasa).